The following is an entry in ClinVar:

NM_001356.5(DDX3X):c.295C>T (p.Arg99Cys)

Gene: DDX3X (DEAD-box helicase 3 X-linked; plus strand). Cytogenetic location: Xp11.4.
Variant type: single nucleotide variant.
Coding change: c.295C>T on transcript NM_001356.5 (MANE Select); coding-DNA position 295, C replaced by T.
Protein change: p.Arg99Cys; replaces arginine 99 with cysteine.
Molecular consequence: missense variant. On other transcripts: 5 prime UTR variant (1), non-coding transcript variant (1).
Genome position (GRCh38, 1-based): chrX:41,342,505, C>T. VCF-style: chrX-41342505-C-T. GRCh37 (hg19) VCF-style: chrX-41201758-C-T.
Other names: c.295C>T, p.Arg99Cys (NM_001193416.3); c.247C>T, p.Arg83Cys (NM_001193417.3); c.-264C>T (NM_001363819.1); short protein forms R83C, R99C.
Identifiers: ClinVar variation 2962758 (VCV002962758.3), dbSNP rs1479548397, ClinGen allele CA412765588.
Genomic context (GRCh38, chrX:41,342,505, plus strand): 5'-CTGATAATGGTTAAATGATATGATTCTGATTAATTGCTTGTGCTGTTCAGGTTTGATGAT[C>T]GTGGACGGAGTGATTACGATGGCATTGGCAGCCGTGGTGACAGAAGTGGCTTTGGCAAAT-3'
Protein context (NP_001347.3, residues 89-109): GSGSRGRFDD[Arg99Cys]GRSDYDGIGS

ClinVar aggregate classification (germline): Uncertain significance (1 of 4 stars; one submission).

Allele frequency attached by ClinVar (database versions not stated): gnomAD exomes below 0.00001.
gnomAD v4.1: 1 of 1,211,080 alleles (0.000083%); highest among the groups gnomAD compares: Admixed American, 0.0022%; no homozygotes.

Submission:

Labcorp Genetics (formerly Invitae), Labcorp
Classification: Uncertain significance. Last evaluated: 2023-12-01. Review status: criteria provided, single submitter. Criteria: Invitae Variant Classification Sherloc (09022015). Collection method: clinical testing. Allele origin: germline.
Comment: This sequence change replaces arginine, which is basic and polar, with cysteine, which is neutral and slightly polar, at codon 99 of the DDX3X protein (p.Arg99Cys). This variant is present in population databases (no rsID available, gnomAD 0.004%). This variant has not been reported in the literature in individuals affected with DDX3X-related conditions. Experimental studies and prediction algorithms are not available or were not evaluated, and the functional significance of this variant is currently unknown. In summary, the available evidence is currently insufficient to determine the role of this variant in disease. Therefore, it has been classified as a Variant of Uncertain Significance.